The following is an entry in ClinVar:

ClinVar aggregate classification (germline): Likely benign (1 of 4 stars; one submission).

Conditions:
RMP64-related condition.

gnomAD v4.1: 102 of 1,600,514 alleles (0.0064%); highest among the groups gnomAD compares: East Asian, 0.049%; no homozygotes.

Submissions (2):

PreventionGenetics, part of Exact Sciences
Classification: Likely benign for RMP64-related condition. Last evaluated: 2025-09-15. Review status: criteria provided, single submitter. Criteria: ACMG Guidelines, 2015. Collection method: clinical testing. Allele origin: germline.
Comment: This variant is classified as likely benign based on ACMG/AMP sequence variant interpretation guidelines (Richards et al. 2015 PMID: 25741868, with internal and published modifications).

Dr. Peter K. Rogan Lab, Western University
No classification provided (evidence only). Condition: Malignant tumor of esophagus. Review status: no classification provided. Collection method: in vitro. Allele origin: not applicable. Functional consequence: retained intron. Not counted in ClinVar's aggregate classification.

NM_015412.4(RMP64):c.976-8C>T

Gene: RMP64 (ribonuclease MRP subunit p64; minus strand). Cytogenetic location: 3q13.2.
Variant type: single nucleotide variant.
Coding change: c.976-8C>T on transcript NM_015412.4 (MANE Select); 8 bases into the intron before coding-DNA position 976, C replaced by T.
Molecular consequence: intron variant.
Genome position (GRCh38, 1-based): chr3:113,008,438, G>A on the plus strand (C>T on the coding strand, the complement: RMP64 is on the minus strand). VCF-style: chr3-113008438-G-A. GRCh37 (hg19) VCF-style: chr3-112727285-G-A.
Other names: NC_000003.11:g.112727285G>A; c.475-8C>T (NM_001319110.2); c.643-8C>T (NM_001319112.2); c.367-8C>T (NM_001319111.2); c.685-8C>T (NM_001319115.2); c.568-8C>T (NM_001319114.2); c.766-8C>T (NM_001319109.2); c.976-8C>T (NM_015412.3).
Identifiers: ClinVar variation 4501686 (VCV004501686.2).